The following is an entry in ClinVar:

ClinVar aggregate classification (germline): Uncertain significance. Review status: criteria provided, multiple submitters, no conflicts (2 of 4 stars). 4 submissions from 4 submitters: Uncertain significance (4). Last evaluated 2026-05-26.

Conditions:
CDHR1-related disorder. Also called: CDHR1-related condition.
Inborn genetic diseases. Identifiers: MedGen C0950123, MeSH D030342.

Allele frequency attached by ClinVar (database versions not stated): gnomAD exomes 0.00011; 1000 Genomes Project 30x 0.00016; 1000 Genomes Project 0.00020; gnomAD 0.00008; ExAC 0.00010; TOPMed 0.00010.
gnomAD v4.1: 113 of 1,610,314 alleles (0.007%); highest among the groups gnomAD compares: East Asian, 0.022%; no homozygotes.

Submissions (4):

PreventionGenetics, part of Exact Sciences
Classification: Uncertain significance for CDHR1-related condition. Last evaluated: 2026-05-26. Review status: criteria provided, single submitter. Criteria: ACMG Guidelines, 2015. Collection method: clinical testing. Allele origin: germline.
Comment: The CDHR1 c.554G>A variant is predicted to result in the amino acid substitution p.Arg185His. To our knowledge, this variant has not been reported in the literature. This variant is reported in 0.055% of alleles in individuals of East Asian descent in gnomAD, which may be too frequent to be a primary cause of disease. Although we suspect that this variant may be benign, at this time, the clinical significance of this variant is uncertain due to the absence of conclusive functional and genetic evidence.

Ambry Genetics
Classification: Uncertain significance for Inborn genetic diseases. Last evaluated: 2024-07-31. Review status: criteria provided, single submitter. Criteria: Ambry Variant Classification Scheme 2023. Collection method: clinical testing. Allele origin: germline.

Blueprint Genetics
Classification: Uncertain significance. Last evaluated: 2024-04-17. Review status: criteria provided, single submitter. Criteria: ACMG Guidelines, 2015. Collection method: clinical testing. Allele origin: germline.

Labcorp Genetics (formerly Invitae), Labcorp
Classification: Uncertain significance. Last evaluated: 2023-12-22. Review status: criteria provided, single submitter. Criteria: Invitae Variant Classification Sherloc (09022015). Collection method: clinical testing. Allele origin: germline.
Comment: This sequence change replaces arginine, which is basic and polar, with histidine, which is basic and polar, at codon 185 of the CDHR1 protein (p.Arg185His). This variant is present in population databases (rs201731584, gnomAD 0.05%). This variant has not been reported in the literature in individuals affected with CDHR1-related conditions. ClinVar contains an entry for this variant (Variation ID: 848590). Advanced modeling of protein sequence and biophysical properties (such as structural, functional, and spatial information, amino acid conservation, physicochemical variation, residue mobility, and thermodynamic stability) performed at Invitae indicates that this missense variant is not expected to disrupt CDHR1 protein function with a negative predictive value of 80%. In summary, the available evidence is currently insufficient to determine the role of this variant in disease. Therefore, it has been classified as a Variant of Uncertain Significance.

NM_033100.4(CDHR1):c.554G>A (p.Arg185His)

Gene: CDHR1 (cadherin related family member 1; plus strand). Cytogenetic location: 10q23.1.
Variant type: single nucleotide variant.
Coding change: c.554G>A on transcript NM_033100.4 (MANE Select); coding-DNA position 554, G replaced by A.
Protein change: p.Arg185His; replaces arginine 185 with histidine.
Molecular consequence: missense variant.
Genome position (GRCh38, 1-based): chr10:84,201,835, G>A. VCF-style: chr10-84201835-G-A. GRCh37 (hg19) VCF-style: chr10-85961591-G-A.
Other names: c.554G>A (NM_033100.2); c.554G>A, p.Arg185His (NM_001171971.3); short protein forms R185H.
Identifiers: ClinVar variation 848590 (VCV000848590.10), dbSNP rs201731584, ClinGen allele CA5579586.
Genomic context (GRCh38, chr10:84,201,835, plus strand): 5'-GCTGAGGTCCAGCTGCCCCCTAATTCTTATAGAACCTGCACTCCCCATTTGCCGTGGACC[G>A]CCACAGCGGTGTGCTGCGCCTCCAGGCTGGGGCCACTCTGGACTACGAGAGGTCCCGGAC-3'
Protein context (NP_149091.1, residues 175-195): QNLHSPFAVD[Arg185His]HSGVLRLQAG